The following is an entry in ClinVar:

NM_002769.5(PRSS1):c.521C>G (p.Ser174Cys)

Genes: TRB (T cell receptor beta locus; plus strand), PRSS1 (serine protease 1; plus strand). Cytogenetic location: 7q34.
Variant type: single nucleotide variant.
Coding change: c.521C>G on transcript NM_002769.5 (MANE Select); coding-DNA position 521, C replaced by G.
Protein change: p.Ser174Cys; replaces serine 174 with cysteine.
Molecular consequence: missense variant. On other transcripts: non-coding transcript variant (5).
Genome position (GRCh38, 1-based): chr7:142,752,497, C>G. VCF-style: chr7-142752497-C-G. GRCh37 (hg19) VCF-style: chr7-142460348-C-G.
Other names: short protein forms S174C.
Identifiers: ClinVar variation 3426335 (VCV003426335.1).
Genomic context (GRCh38, chr7:142,752,497, plus strand): 5'-ACCCAGACGAGCTGCAGTGCCTGGATGCTCCTGTGCTGAGCCAGGCTAAGTGTGAAGCCT[C>G]CTACCCTGGAAAGATTACCAGCAACATGTTCTGTGTGGGCTTCCTTGAGGGAGGCAAGGA-3'
Protein context (NP_002760.1, residues 164-184): PVLSQAKCEA[Ser174Cys]YPGKITSNMF

ClinVar aggregate classification (germline): Uncertain significance (1 of 4 stars; one submission).

Conditions:
Hereditary pancreatitis (PCTT). Also called: Hereditary chronic pancreatitis; PRSS1-Related Hereditary Pancreatitis. Identifiers: Orphanet 676, MedGen C0238339, MONDO:0008185, OMIM 167800.

Submission:

Ambry Genetics
Classification: Uncertain significance for Hereditary pancreatitis. Last evaluated: 2024-10-12. Review status: criteria provided, single submitter. Criteria: Ambry Variant Classification Scheme 2023. Collection method: clinical testing. Allele origin: germline.
Comment: The p.S174C variant (also known as c.521C>G), located in coding exon 4 of the PRSS1 gene, results from a C to G substitution at nucleotide position 521. The serine at codon 174 is replaced by cysteine, an amino acid with dissimilar properties. This amino acid position is conserved. In addition, the in silico prediction for this alteration is inconclusive. Based on the available evidence, the clinical significance of this variant remains unclear.